The following is an entry in ClinVar:

NM_001199397.3(NEK1):c.-504T>C

Gene: NEK1 (NIMA related kinase 1; minus strand). Cytogenetic location: 4q33.
Variant type: single nucleotide variant.
Coding change: c.-504T>C on transcript NM_001199397.3 (MANE Select); 504 bases upstream of the start codon, T replaced by C.
Molecular consequence: 5 prime UTR variant. On other transcripts: non-coding transcript variant (2).
Genome position (GRCh38, 1-based): chr4:169,612,553, A>G on the plus strand (T>C on the coding strand, the complement: NEK1 is on the minus strand). VCF-style: chr4-169612553-A-G. GRCh37 (hg19) VCF-style: chr4-170533704-A-G.
Other names: c.-504T>C (NM_001199398.3, NM_001199399.3, NM_001374419.1 and 3 more transcripts); c.-582T>C (NM_001199400.3, NM_001374418.1, NM_001374423.1 and 1 more transcripts).
Identifiers: ClinVar variation 348132 (VCV000348132.5), dbSNP rs550632789, ClinGen allele CA10618300.

ClinVar aggregate classification (germline): Likely benign (1 of 4 stars; one submission).

Conditions:
Short-rib thoracic dysplasia 6 with or without polydactyly (SRTD6). Also called: POLYDACTYLY WITH NEONATAL CHONDRODYSTROPHY, TYPE II; Majewski Syndrome; SHORT RIB-POLYDACTYLY SYNDROME, TYPE IIA; SHORT-RIB THORACIC DYSPLASIA 6 WITH POLYDACTYLY; SHORT-RIB THORACIC DYSPLASIA 6 WITHOUT POLYDACTYLY. Identifiers: MedGen C0024507, MONDO:0009894, OMIM 263520.

Allele frequency attached by ClinVar (database versions not stated): gnomAD 0.00017 and 0.00019; TOPMed 0.00028; 1000 Genomes Project 30x 0.00047; 1000 Genomes Project 0.00060.

Submission:

Illumina Laboratory Services, Illumina
Classification: Likely benign for Short-rib thoracic dysplasia 6 with or without polydactyly. Last evaluated: 2018-01-13. Review status: criteria provided, single submitter. Criteria: ICSL Variant Classification Criteria 13 December 2019. Collection method: clinical testing. Allele origin: germline.
Comment: This variant was observed in the ICSL laboratory as part of a predisposition screen in an ostensibly healthy population. It had not been previously curated by ICSL or reported in the Human Gene Mutation Database (HGMD: prior to June 1st, 2018), and was therefore a candidate for classification through an automated scoring system. Utilizing variant allele frequency, disease prevalence and penetrance estimates, and inheritance mode, an automated score was calculated to assess if this variant is too frequent to cause the disease. Based on the score and internal cut-off values, a variant classified as likely benign is not then subjected to further curation. The score for this variant resulted in a classification of likely benign for this disease.